The following is an entry in ClinVar:

ClinVar aggregate classification (germline): Pathogenic (1 of 4 stars; one submission).

Conditions:
Primary ciliary dyskinesia 3. Identifiers: Orphanet 244, MedGen C1837618, MONDO:0012085, OMIM 608644.

Submission:

Myriad Genetics, Inc.
Classification: Pathogenic for Primary ciliary dyskinesia 3. Last evaluated: 2024-05-14. Review status: criteria provided, single submitter. Criteria: Myriad Autosomal Dominant, Autosomal Recessive and X-Linked Classification Criteria (2023). Collection method: clinical testing. Allele origin: unknown.
Comment: NM_001369.2(DNAH5):c.11510_11511ins19(N3837Kfs*8) is expected to be pathogenic in the context of primary ciliary dyskinesia, DNAH5-related. This variant is predicted to lead to an abnormal or absent protein product due to the creation of a premature termination codon in DNAH5, a gene where loss-of-function variants are known to be pathogenic. Please note: this variant was assessed in the context of healthy population screening.

NM_001369.3(DNAH5):c.11510_11511insGATGTGTATAAGAGACAGT (p.Asn3837fs)

Gene: DNAH5 (dynein axonemal heavy chain 5; minus strand). Cytogenetic location: 5p15.2.
Variant type: Insertion.
Coding change: c.11510_11511insGATGTGTATAAGAGACAGT on transcript NM_001369.3 (MANE Select); coding-DNA positions 11510 to 11511, GATGTGTATAAGAGACAGT inserted.
Protein change: p.Asn3837fs; shifts the reading frame from asparagine 3837.
Molecular consequence: frameshift variant.
Genome position: GRCh38 VCF-style: chr5-13735877-A-AACTGTCTCTTATACACATC. GRCh37 (hg19) VCF-style: chr5-13735986-A-AACTGTCTCTTATACACATC.
Other names: short protein forms N3837fs.
Identifiers: ClinVar variation 5011142 (VCV005011142.1).
Genomic context (GRCh38, chr5:13,735,877, plus strand): 5'-CCTGGCTAAGGAAAGGTCAAATAAGCCCAGAAACTGGCGAAGCGAAGTCTGATACATCTC[A>AACTGTCTCTTATACACATC]TTAACCAAGCGCATCTCAGTAATGAGGAAGTAGAGGATGCTGCCCCGCGTAGCCACTGGA-3'